The following is an entry in ClinVar:

NM_080680.3(COL11A2):c.140T>G (p.Val47Gly)

Gene: COL11A2 (collagen type XI alpha 2 chain; minus strand). Cytogenetic location: 6p21.32.
Variant type: single nucleotide variant.
Coding change: c.140T>G on transcript NM_080680.3 (MANE Select); coding-DNA position 140, T replaced by G.
Protein change: p.Val47Gly; replaces valine 47 with glycine.
Molecular consequence: missense variant. On other transcripts: 5 prime UTR variant (3), non-coding transcript variant (1).
Genome position (GRCh38, 1-based): chr6:33,189,412, A>C on the plus strand (T>G on the coding strand, the complement: COL11A2 is on the minus strand). VCF-style: chr6-33189412-A-C. GRCh37 (hg19) VCF-style: chr6-33157189-A-C.
Other names: c.140T>G, p.Val47Gly (NM_001163771.2, NM_001424108.1, NM_080679.3 and 1 more transcripts); c.-707T>G (NM_001424109.1, NM_001424110.1, NM_001424111.1); short protein forms V47G.
Identifiers: ClinVar variation 3363528 (VCV003363528.2).

ClinVar aggregate classification (germline): Uncertain significance (1 of 4 stars; one submission).

Submission:

GeneDx
Classification: Uncertain significance. Last evaluated: 2026-07-03. Review status: criteria provided, single submitter. Criteria: GeneDx Variant Classification Process June 2021. Collection method: clinical testing. Allele origin: germline.
Comment: Not observed at significant frequency in large population cohorts (gnomAD); In silico analysis supports that this missense variant has a deleterious effect on protein structure/function; Has not been previously published as pathogenic or benign to our knowledge